The following is an entry in ClinVar:

ClinVar aggregate classification (germline): Benign (1 of 4 stars; one submission).

Allele frequency attached by ClinVar (database versions not stated): ExAC 0.56558; ESP Exome Variant Server 0.59227; gnomAD 0.59492; 1000 Genomes Project 0.59565; TOPMed 0.59572; 1000 Genomes Project 30x 0.60197.
gnomAD v4.1: 892,966 of 1,602,760 alleles (56%); highest among the groups gnomAD compares: African/African-American, 72%; 251,630 homozygotes.

Submission:

Unidad de Genómica Garrahan, Hospital de Pediatría Garrahan
Classification: Benign. Last evaluated: 2024-01-24. Review status: criteria provided, single submitter. Criteria: ACMG Guidelines, 2015. Collection method: clinical testing. Allele origin: germline. Affected: no. Observed: 86 variant alleles.
Comment: This variant is classified as Benign based on local population frequency. This variant was detected in 91% of patients studied by a panel of primary immunodeficiencies. Number of patients: 86. Only high quality variants are reported.

NM_003177.7(SYK):c.1836-49A>T

Gene: SYK (spleen associated tyrosine kinase; plus strand). Cytogenetic location: 9q22.2.
Variant type: single nucleotide variant.
Coding change: c.1836-49A>T on transcript NM_003177.7 (MANE Select); 49 bases into the intron before coding-DNA position 1836, A replaced by T.
Molecular consequence: intron variant.
Genome position (GRCh38, 1-based): chr9:90,895,479, A>T. VCF-style: chr9-90895479-A-T. GRCh37 (hg19) VCF-style: chr9-93657761-A-T.
Other names: c.1767-49A>T (NM_001174168.3, NM_001135052.4); c.1836-49A>T (NM_001174167.3).
Identifiers: ClinVar variation 2687942 (VCV002687942.2), dbSNP rs158689, ClinGen allele CA5119608.